The following is an entry in ClinVar:

NM_005343.4(HRAS):c.35G>T (p.Gly12Val)

Genes: HRAS (HRas proto-oncogene, GTPase; minus strand), LRRC56 (leucine rich repeat containing 56; plus strand). Cytogenetic location: 11p15.5.
Variant type: single nucleotide variant.
Coding change: c.35G>T on transcript NM_005343.4 (MANE Select); coding-DNA position 35, G replaced by T.
Protein change: p.Gly12Val; replaces glycine 12 with valine.
Molecular consequence: missense variant. On other transcripts: 5 prime UTR variant (1).
Genome position (GRCh38, 1-based): chr11:534,288, C>A on the plus strand (G>T on the coding strand, the complement: HRAS is on the minus strand). VCF-style: chr11-534288-C-A. GRCh37 (hg19) VCF-style: chr11-534288-C-A.
Other names: p.G12V:GGC>GTA; c.35G>T, p.Gly12Val (NM_001130442.3, NM_176795.5); c.-285G>T (NM_001318054.2); c.35G>T (NM_005343.3); short protein forms G12V.
Identifiers: ClinVar variation 12600 (VCV000012600.21), dbSNP rs104894230, ClinGen allele CA122545.

ClinVar aggregate classification (germline): Pathogenic. Review status: criteria provided, multiple submitters, no conflicts (2 of 4 stars). 14 submissions from 11 submitters: Pathogenic (10). 4 of the submissions do not count toward it. Last evaluated 2026-08-12.

Conditions:
Fetal anomalies with a likely genetic cause.
HRAS-related disorder. Also called: HRAS-related condition.
Cardiovascular phenotype. Identifiers: MedGen CN230736.
Malignant tumor of urinary bladder. Also called: Urinary Bladder Neoplasms; Urinary bladder cancer; Bladder cancer. Identifiers: MedGen C0005684, MONDO:0001187, OMIM 109800.
Epidermal nevus. Also called: NEVUS, KERATINOCYTIC, NONEPIDERMOLYTIC; Nevus, epidermal, somatic. Identifiers: Orphanet 79414, MedGen C0334082, MONDO:0008093, OMIM 162900, HP:0010816.
Costello syndrome (CSTLO). Also called: FCS SYNDROME; HRAS-Related Costello Syndrome; FACIOCUTANEOSKELETAL SYNDROME. Identifiers: Orphanet 3071, MedGen C0587248, MONDO:0009026, OMIM 218040.
Myopathy, congenital, with excess of muscle spindles. Identifiers: MedGen C1968782, MONDO:0800299.

Submissions (14):

Genetics Laboratory, Great Ormond Street Hospital NHS Foundation Trust, North Thames Genomic Laboratory Hub
Classification: Pathogenic for Fetal anomalies with a likely genetic cause. Last evaluated: 2026-08-12. Review status: criteria provided, single submitter. Criteria: ACGS Best Practice Guidelines for Variant Classification in Rare Disease 2024 v1.2. Collection method: clinical testing. Allele origin: germline. Affected: yes.
Comment: PS4_moderate, PM2_moderate, PP3_supporting, PM5_strong, PS3_moderate, PS2_moderate

Variantyx, Inc.
Classification: Pathogenic for Costello syndrome. Last evaluated: 2025-06-05. Review status: criteria provided, single submitter. Criteria: Variantyx Assertion Criteria 2022. Collection method: clinical testing. Allele origin: de novo. Inheritance: Autosomal dominant inheritance. Affected: yes.
Comment: This is a nonsynonymous variant in the HRAS gene (OMIM: 190020). Pathogenic variants in this gene have been associated with autosomal dominant Costello syndrome. This variant has been reported in at least one affected individual (PMID: 22495892) (PS4). Functional studies have shown that this variant alters HRAS protein function (PMID: 23487764, 24224811) (PS3_Moderate) and mul\ltiple computational algorithms predict a deleterious effect for this variant (REVEL score: 0.789) (PP3). Moreover, an alternate nucleotide substitution resulting in the same amino acid change (c.35_36delinsTT) has been previously reported as pathogenic (PMID: 16170316) (PS1). This variant is absent from control populations (PM2). Based on the current evidence, this variant is classified as pathogenic for autosomal dominant Costello syndrome.

Dasa
Classification: Pathogenic for Costello syndrome. Last evaluated: 2024-12-24. Review status: criteria provided, single submitter. Criteria: DASA Assertion Criteria. Collection method: clinical testing. Allele origin: germline.
Comment: NM_005343.4(HRAS):c.35G>T (p.Gly12Val) introduces a glycine-to-valine substitution at a critical hotspot residue, with functional studies demonstrating constitutive activation and recurrent observation in individuals with Costello syndrome (PMID: 19995790). Based on the available data, this variant is classified as pathogenic.

Labcorp Genetics (formerly Invitae), Labcorp
Classification: Pathogenic for Costello syndrome. Last evaluated: 2024-08-29. Review status: criteria provided, single submitter. Criteria: Invitae Variant Classification Sherloc (09022015). Collection method: clinical testing. Allele origin: germline.
Comment: This sequence change replaces glycine, which is neutral and non-polar, with valine, which is neutral and non-polar, at codon 12 of the HRAS protein (p.Gly12Val). This variant is not present in population databases (gnomAD no frequency). This missense change has been observed in individual(s) with Costello syndrome (PMID: 16170316). In at least one individual the variant was observed to be de novo. ClinVar contains an entry for this variant (Variation ID: 12600). Invitae Evidence Modeling of protein sequence and biophysical properties (such as structural, functional, and spatial information, amino acid conservation, physicochemical variation, residue mobility, and thermodynamic stability) indicates that this missense variant is expected to disrupt HRAS protein function with a positive predictive value of 95%. Experimental studies have shown that this missense change affects HRAS function (PMID: 24224811). This variant disrupts the p.Gly12 amino acid residue in HRAS. Other variant(s) that disrupt this residue have been determined to be pathogenic (PMID: 16170316, 20979192, 21834037, 21850009, 22317973, 23751039). This suggests that this residue is clinically significant, and that variants that disrupt this residue are likely to be disease-causing. For these reasons, this variant has been classified as Pathogenic.

GeneDx
Classification: Pathogenic. Last evaluated: 2024-06-03. Review status: criteria provided, single submitter. Criteria: GeneDx Variant Classification Process June 2021. Collection method: clinical testing. Allele origin: germline. Affected: yes.
Comment: Published functional studies demonstrate a slower activation rate and reduced catalytic activity (PMID: 23487764, 24224811); Not observed at significant frequency in large population cohorts (gnomAD); Missense variants in this gene are a common cause of disease and they are underrepresented in the general population; In silico analysis supports that this missense variant has a deleterious effect on protein structure/function; This variant is associated with the following publications: (PMID: 34184824, 24224811, 22584058, 24057668, 23376849, 23093928, 22495892, 24803665, 27195699, 26325505, 28455154, 17412879, 30664540, 31974414, 29493581, 23487764)

Baylor Genetics
Classification: Pathogenic for Costello syndrome. Last evaluated: 2023-08-21. Review status: criteria provided, single submitter. Criteria: ACMG Guidelines, 2015. Collection method: clinical testing. Allele origin: unknown.

PreventionGenetics, part of Exact Sciences
Classification: Pathogenic for HRAS-related condition. Last evaluated: 2023-08-12. Review status: criteria provided, single submitter. Criteria: ACMG Guidelines, 2015. Collection method: clinical testing. Allele origin: germline.
Comment: The HRAS c.35G>T variant is predicted to result in the amino acid substitution p.Gly12Val. This variant has been reported as a recurrent de novo variant in multiple individuals with Costello syndrome (Patient 4, Burkitt-Wright et al 2012. PubMed ID: 22495892; van der Burgt et al 2007. PubMed ID: 17412879; Bend et al. 2019. PubMed ID: 30664540; Vora et al. 2020. PubMed ID: 31974414). Of note, >90% of pathogenic HRAS variants alter the conserved glycine residues at positions 12 and 13 (Aoki et al. 2005. PubMed ID: 16170316; Gripp et al. 2006. PubMed ID: 16329078; van der Burgt et al 2007. PubMed ID: 17412879). This variant has not been reported in a large population database, indicating this variant is rare. This variant is interpreted as pathogenic.

Ambry Genetics
Classification: Pathogenic for Cardiovascular phenotype. Last evaluated: 2023-07-25. Review status: criteria provided, single submitter. Criteria: Ambry Variant Classification Scheme 2023. Collection method: clinical testing. Allele origin: germline.
Comment: The c.35G>T (p.G12V) alteration is located in exon 2 (coding exon 1) of the HRAS gene. This alteration results from a G to T substitution at nucleotide position 35, causing the glycine (G) at amino acid position 12 to be replaced by a valine (V). This variant was not reported in population-based cohorts in the Genome Aggregation Database (gnomAD). This variant has been observed or determined to be the result of a de novo mutation in multiple individuals with features consistent with HRAS-related RASopathy (Aoki, 2005; van der Burgt, 2007; Burkitt-Wright, 2012). Another alteration at the same codon, c.34G>A (p.G12S), was reported in multiple individuals with features consistent with HRAS-related RASopathy (Aoki, 2005). This amino acid position is highly conserved in available vertebrate species. The in silico prediction for this alteration is inconclusive. Based on the available evidence, this alteration is classified as pathogenic.

Revvity Omics, Revvity
Classification: Pathogenic for Costello syndrome. Last evaluated: 2022-01-07. Review status: criteria provided, single submitter. Criteria: ACMG Guidelines, 2015. Collection method: clinical testing. Allele origin: germline.

Laboratory for Molecular Medicine, Mass General Brigham Personalized Medicine
Classification: Pathogenic for Costello syndrome. Last evaluated: 2011-05-05. Review status: criteria provided, single submitter. Criteria: LMM Criteria. Collection method: clinical testing. Allele origin: germline. Observed: 1 variant allele.
Comment: The Gly12Val variant in HRAS has been reported in the literature in a proband wi th Costello syndrome and was verified to have occured de novo in that individual (Aoki 2005). While the reported proband had an alternate DNA change (c.35_36del insTT), the predicted protein change is identical to that predicted for this pat ient. This Gly12Val variant is commonly seen as a somatic mutation in several ca ncers (Catalogue of Somatic Mutations in Cancer) and functional studies have shown it to dramatically alter cell growth (Aoki 20 05). Therefore, this variant is highly likely to be pathogenic.

OMIM
Classification: Pathogenic for BLADDER CANCER, SOMATIC. Last evaluated: 2012-04-01. Review status: no assertion criteria provided. Collection method: literature only. Allele origin: somatic. Not counted in ClinVar's aggregate classification.

OMIM
Classification: Pathogenic for COSTELLO SYNDROME. Last evaluated: 2012-04-01. Review status: no assertion criteria provided. Collection method: literature only. Allele origin: unknown. Not counted in ClinVar's aggregate classification.

OMIM
Classification: Pathogenic for MYOPATHY, CONGENITAL, WITH EXCESS OF MUSCLE SPINDLES. Last evaluated: 2012-04-01. Review status: no assertion criteria provided. Collection method: literature only. Allele origin: unknown. Not counted in ClinVar's aggregate classification.

OMIM
Classification: Pathogenic for EPIDERMAL NEVUS, SOMATIC. Last evaluated: 2012-04-01. Review status: no assertion criteria provided. Collection method: literature only. Allele origin: somatic. Not counted in ClinVar's aggregate classification.

Literature cited by the submitters: PubMed 16170316 (cited by 6 submitters); PubMed 23487764 (cited by Variantyx, Inc.); PubMed 24224811 (cited by Variantyx, Inc. and Labcorp Genetics (formerly Invitae), Labcorp); PubMed 22495892 (cited by 3 submitters); PubMed 31974414 (cited by Dasa); PubMed 29493581 (cited by Dasa); PubMed 19995790 (cited by Dasa); PubMed 20979192 (cited by Labcorp Genetics (formerly Invitae), Labcorp); PubMed 21834037 (cited by Labcorp Genetics (formerly Invitae), Labcorp); PubMed 21850009 (cited by Labcorp Genetics (formerly Invitae), Labcorp); PubMed 22317973 (cited by Labcorp Genetics (formerly Invitae), Labcorp); PubMed 23751039 (cited by Labcorp Genetics (formerly Invitae), Labcorp); PubMed 17412879 (cited by Ambry Genetics and OMIM); PubMed 7177195 (cited by OMIM); PubMed 2999610 (cited by OMIM); PubMed 3537694 (cited by OMIM); PubMed 6092966 (cited by OMIM); PubMed 6330729 (cited by OMIM); PubMed 22499344 (cited by OMIM); PubMed 8960317 (cited by OMIM).